The following is an entry in ClinVar:

ClinVar aggregate classification (germline): Pathogenic (3 of 4 stars; one submission).

Conditions:
Breast-ovarian cancer, familial, susceptibility to, 1 (BROVCA1). Also called: BRCA1 Hereditary Breast and Ovarian Cancer; OVARIAN CANCER, SUSCEPTIBILITY TO. Identifiers: Orphanet 145, MedGen C2676676, MONDO:0011450, OMIM 604370. Disease mechanism: loss of function.

Submission:

Evidence-based Network for the Interpretation of Germline Mutant Alleles (ENIGMA)
Classification: Pathogenic for Breast-ovarian cancer, familial, susceptibility to, 1. Last evaluated: 2016-09-08. Review status: reviewed by expert panel. Criteria: ENIGMA BRCA1/2 Classification Criteria (2015). Collection method: curation. Allele origin: germline.
Comment: Variant allele predicted to encode a truncated non-functional protein.

NM_007294.4(BRCA1):c.3459_3460del (p.Leu1154fs)

Genes: BRCA1 (BRCA1 DNA repair associated; minus strand), LOC126862571 (BRD4-independent group 4 enhancer GRCh37_chr17:41243136-41244335; plus strand). Cytogenetic location: 17q21.31.
Variant type: Deletion.
Coding change: c.3459_3460del on transcript NM_007294.4 (MANE Select); coding-DNA positions 3459 to 3460, 2 bases deleted (GT; older notation c.3459_3460delGT).
Protein change: p.Leu1154fs; shifts the reading frame from leucine 1154.
Molecular consequence: frameshift variant. On other transcripts: intron variant (135).
Genome position (GRCh38, 1-based): chr17:43,092,071-43,092,072, AC deleted on the plus strand (GT on the coding strand, the reverse complement: BRCA1 is on the minus strand); deleting any 2 consecutive bases within chr17:43,092,071-43,092,073 gives the same sequence; the c. name uses the placement nearest the transcript's 3' end. VCF-style (leftmost placement, unchanged base first): chr17-43092070-AAC-A. GRCh37 (hg19) VCF-style: chr17-41244087-AAC-A.
Other names: c.3459_3460delGT (NM_007294.3); c.785-1040_785-1039del (NM_001407986.1, NM_001407972.1, NM_001408397.1 and 13 more transcripts); c.665-1040_665-1039del (NM_001408441.1, NM_001408437.1, NM_001408429.1 and 12 more transcripts); c.788-1040_788-1039del (NM_001407979.1, NM_001407977.1, NM_001407982.1 and 17 more transcripts); c.647-1040_647-1039del (NM_001408410.1, NM_001408458.1, NM_001408469.1 and 11 more transcripts); c.710-1040_710-1039del (NM_001408415.1, NM_001408412.1, NM_001408409.1 and 2 more transcripts); c.578-1040_578-1039del (NM_001408483.1, NM_001408481.1, NM_001408480.1 and 9 more transcripts); c.3246_3247del, p.Leu1083fs (NM_001407571.1, NM_001407853.1, NM_001407894.1 and 9 more transcripts); and 42 more; short protein forms L1107fs, L1154fs, L1026fs, L1042fs, L1043fs, L1066fs, L1086fs, L1106fs.
Identifiers: ClinVar variation 254428 (VCV000254428.3), dbSNP rs886038013, ClinGen allele CA10586630.